The following is an entry in ClinVar:

ClinVar aggregate classification (germline): Pathogenic (1 of 4 stars; one submission).

Submission:

Labcorp Genetics (formerly Invitae), Labcorp
Classification: Pathogenic. Last evaluated: 2022-03-09. Review status: criteria provided, single submitter. Criteria: Invitae Variant Classification Sherloc (09022015). Collection method: clinical testing. Allele origin: germline.
Comment: This sequence change creates a premature translational stop signal (p.Lys60Cysfs*5) in the SAG gene. It is expected to result in an absent or disrupted protein product. Loss-of-function variants in SAG are known to be pathogenic (PMID: 9452120, 15234147, 22665972). This variant is present in population databases (no rsID available, gnomAD 0.0009%). This variant has not been reported in the literature in individuals affected with SAG-related conditions. Algorithms developed to predict the effect of sequence changes on RNA splicing suggest that this variant may disrupt the consensus splice site. For these reasons, this variant has been classified as Pathogenic.

Literature cited by the submitters: PubMed 9452120; PubMed 15234147; PubMed 22665972.

NM_000541.5(SAG):c.178_181del (p.Lys60fs)

Gene: SAG (S-antigen visual arrestin; plus strand). Cytogenetic location: 2q37.1.
Variant type: Microsatellite.
Coding change: c.178_181del on transcript NM_000541.5 (MANE Select); coding-DNA positions 178 to 181, 4 bases deleted (AAAG; older notation c.178_181delAAAG).
Protein change: p.Lys60fs; shifts the reading frame from lysine 60.
Molecular consequence: frameshift variant.
Genome position (GRCh38, 1-based): chr2:233,318,792-233,318,795, AAAG deleted; deleting any 4 consecutive bases within chr2:233,318,787-233,318,795 gives the same sequence; the c. name uses the placement nearest the transcript's 3' end. VCF-style (leftmost placement, unchanged base first): chr2-233318786-GGAAA-G. GRCh37 (hg19) VCF-style: chr2-234227432-GGAAA-G.
Other names: short protein forms K60fs.
Identifiers: ClinVar variation 1449236 (VCV001449236.6), dbSNP rs1559435824, ClinGen allele CA540310847.